The following is an entry in ClinVar:

ClinVar aggregate classification (germline): Conflicting classifications of pathogenicity. Review status: criteria provided, conflicting classifications (1 of 4 stars). 3 submissions from 3 submitters: Uncertain significance (2); Likely benign (1). Last evaluated 2025-03-08.

Conditions:
Inborn genetic diseases. Identifiers: MedGen C0950123, MeSH D030342.
Combined oxidative phosphorylation defect type 17. Also called: Combined oxidative phosphorylation deficiency 17. Identifiers: Orphanet 369913, MedGen C3809526, MONDO:0014190, OMIM 615440.

Allele frequency attached by ClinVar (database versions not stated): TOPMed below 0.00001; ExAC 0.00001; gnomAD 0.00001; gnomAD exomes 0.00001.
gnomAD v4.1: 12 of 1,614,086 alleles (0.00074%); highest among the groups gnomAD compares: African/African-American, 0.0027%; no homozygotes.

Submissions (3):

Ambry Genetics
Classification: Likely benign for Inborn genetic diseases. Last evaluated: 2025-03-08. Review status: criteria provided, single submitter. Criteria: Ambry Variant Classification Scheme 2023. Collection method: clinical testing. Allele origin: germline.

GeneDx
Classification: Uncertain significance. Last evaluated: 2024-10-30. Review status: criteria provided, single submitter. Criteria: GeneDx Variant Classification Process June 2021. Collection method: clinical testing. Allele origin: germline. Affected: yes.
Comment: Not observed at significant frequency in large population cohorts (gnomAD); In silico analysis indicates that this missense variant does not alter protein structure/function; Has not been previously published as pathogenic or benign to our knowledge; In silico analysis is inconclusive as to whether the variant alters gene splicing. In the absence of RNA/functional studies, the actual effect of this sequence change is unknown.

Labcorp Genetics (formerly Invitae), Labcorp
Classification: Uncertain significance for Combined oxidative phosphorylation defect type 17. Last evaluated: 2022-08-20. Review status: criteria provided, single submitter. Criteria: Invitae Variant Classification Sherloc (09022015). Collection method: clinical testing. Allele origin: germline.
Comment: This sequence change replaces histidine, which is basic and polar, with arginine, which is basic and polar, at codon 226 of the ELAC2 protein (p.His226Arg). This variant is present in population databases (rs757735135, gnomAD 0.01%). This variant has not been reported in the literature in individuals affected with ELAC2-related conditions. ClinVar contains an entry for this variant (Variation ID: 838895). Algorithms developed to predict the effect of missense changes on protein structure and function output the following: SIFT: "Tolerated"; PolyPhen-2: "Benign"; Align-GVGD: "Class C0". The arginine amino acid residue is found in multiple mammalian species, which suggests that this missense change does not adversely affect protein function. Algorithms developed to predict the effect of sequence changes on RNA splicing suggest that this variant may disrupt the consensus splice site. In summary, the available evidence is currently insufficient to determine the role of this variant in disease. Therefore, it has been classified as a Variant of Uncertain Significance.

NM_018127.7(ELAC2):c.677A>G (p.His226Arg)

Gene: ELAC2 (elaC ribonuclease Z 2; minus strand). Cytogenetic location: 17p12.
Variant type: single nucleotide variant.
Coding change: c.677A>G on transcript NM_018127.7 (MANE Select); coding-DNA position 677, A replaced by G.
Protein change: p.His226Arg; replaces histidine 226 with arginine.
Molecular consequence: missense variant. On other transcripts: intron variant (1).
Genome position (GRCh38, 1-based): chr17:13,011,665, T>C on the plus strand (A>G on the coding strand, the complement: ELAC2 is on the minus strand). VCF-style: chr17-13011665-T-C. GRCh37 (hg19) VCF-style: chr17-12914982-T-C.
Other names: c.677A>G, p.His226Arg (NM_173717.2); c.560-994A>G (NM_001165962.2); short protein forms H226R.
Identifiers: ClinVar variation 838895 (VCV000838895.7), dbSNP rs757735135, ClinGen allele CA8401565.